The following is an entry in ClinVar:

ClinVar aggregate classification (germline): Uncertain significance (1 of 4 stars; one submission).

Allele frequency attached by ClinVar (database versions not stated): TOPMed below 0.00001; gnomAD 0.00001.

Submission:

Labcorp Genetics (formerly Invitae), Labcorp
Classification: Uncertain significance. Last evaluated: 2022-08-11. Review status: criteria provided, single submitter. Criteria: Invitae Variant Classification Sherloc (09022015). Collection method: clinical testing. Allele origin: germline.
Comment: This variant is not present in population databases (gnomAD no frequency). In summary, the available evidence is currently insufficient to determine the role of this variant in disease. Therefore, it has been classified as a Variant of Uncertain Significance. Algorithms developed to predict the effect of missense changes on protein structure and function are either unavailable or do not agree on the potential impact of this missense change (SIFT: "Deleterious"; PolyPhen-2: "Probably Damaging"; Align-GVGD: "Class C0"). This variant has not been reported in the literature in individuals affected with EPRS-related conditions. This sequence change replaces glutamic acid, which is acidic and polar, with aspartic acid, which is acidic and polar, at codon 244 of the EPRS protein (p.Glu244Asp).

NM_004446.3(EPRS1):c.732A>C (p.Glu244Asp)

Gene: EPRS1 (glutamyl-prolyl-tRNA synthetase 1; minus strand). Cytogenetic location: 1q41.
Variant type: single nucleotide variant.
Coding change: c.732A>C on transcript NM_004446.3 (MANE Select); coding-DNA position 732, A replaced by C.
Protein change: p.Glu244Asp; replaces glutamic acid 244 with aspartic acid.
Molecular consequence: missense variant.
Genome position (GRCh38, 1-based): chr1:220,025,150, T>G on the plus strand (A>C on the coding strand, the complement: EPRS1 is on the minus strand). VCF-style: chr1-220025150-T-G. GRCh37 (hg19) VCF-style: chr1-220198492-T-G.
Other names: short protein forms E244D.
Identifiers: ClinVar variation 2015050 (VCV002015050.4), dbSNP rs780308576, ClinGen allele CA344633027.